The following is an entry in ClinVar:

NM_004656.4(BAP1):c.1660G>A (p.Gly554Ser)

Gene: BAP1 (BRCA1 associated deubiquitinase 1; minus strand). Cytogenetic location: 3p21.1.
Variant type: single nucleotide variant.
Coding change: c.1660G>A on transcript NM_004656.4 (MANE Select); coding-DNA position 1660, G replaced by A.
Protein change: p.Gly554Ser; replaces glycine 554 with serine.
Molecular consequence: missense variant.
Genome position (GRCh38, 1-based): chr3:52,403,485, C>T on the plus strand (G>A on the coding strand, the complement: BAP1 is on the minus strand). VCF-style: chr3-52403485-C-T. GRCh37 (hg19) VCF-style: chr3-52437501-C-T.
Other names: short protein forms G554S.
Identifiers: ClinVar variation 1692860 (VCV001692860.4), dbSNP rs1578220332, ClinGen allele CA353100061.

ClinVar aggregate classification (germline): Conflicting classifications of pathogenicity. Review status: criteria provided, conflicting classifications (1 of 4 stars). 2 submissions from 2 submitters: Uncertain significance (1); Likely benign (1). Last evaluated 2025-09-18.

Conditions:
Hereditary cancer-predisposing syndrome. Also called: Hereditary neoplastic syndrome; Tumor predisposition; Neoplastic Syndromes, Hereditary; Hereditary Cancer Syndrome. Identifiers: Orphanet 140162, MedGen C0027672, MeSH D009386, MONDO:0015356.

Submissions (2):

Ambry Genetics
Classification: Likely benign for Hereditary cancer-predisposing syndrome. Last evaluated: 2025-09-18. Review status: criteria provided, single submitter. Criteria: Ambry Variant Classification Scheme 2023. Collection method: clinical testing. Allele origin: germline.

Sema4
Classification: Uncertain significance for Hereditary cancer-predisposing syndrome. Last evaluated: 2021-06-18. Review status: criteria provided, single submitter. Criteria: Sema4 Curation Guidelines. Collection method: curation. Allele origin: germline.
Comment: The BAP1 c.1660G>A (p.G554S) variant has not been reported in the literature to our knowledge. It was not observed in the large and broad cohorts of the Genome Aggregation Database (PMID: 32461654). This variant has not been reported in ClinVar. In silico tools suggest the impact of the variant on protein function is inconclusive, though these predictions have not been confirmed by functional studies. The evidence is insufficient to meet ACMG/AMP criteria for classifying the variant as benign or pathogenic. Thus, the clinical significance of this variant is currently uncertain.

Literature cited by the submitters: PubMed 38969833 (cited by Ambry Genetics).